The following is an entry in ClinVar:

NM_006767.4(LZTR1):c.1303_1315del (p.Arg435fs)

Gene: LZTR1 (leucine zipper like post translational regulator 1; plus strand). Cytogenetic location: 22q11.21.
Variant type: Deletion.
Coding change: c.1303_1315del on transcript NM_006767.4 (MANE Select); coding-DNA positions 1303 to 1315, 13 bases deleted (CGGCTGTGGGAGA).
Protein change: p.Arg435fs; shifts the reading frame from arginine 435.
Molecular consequence: frameshift variant.
Genome position (GRCh38, 1-based): chr22:20,993,704-20,993,716, CGGCTGTGGGAGA deleted. VCF-style (leftmost placement, unchanged base first): chr22-20993703-GCGGCTGTGGGAGA-G. GRCh37 (hg19) VCF-style: chr22-21347992-GCGGCTGTGGGAGA-G.
Other names: short protein forms R435fs.
Identifiers: ClinVar variation 2019431 (VCV002019431.4), dbSNP rs2518619977, ClinGen allele CA2580099153.

ClinVar aggregate classification (germline): Pathogenic (1 of 4 stars; one submission).

Submission:

Labcorp Genetics (formerly Invitae), Labcorp
Classification: Pathogenic. Last evaluated: 2022-07-24. Review status: criteria provided, single submitter. Criteria: Invitae Variant Classification Sherloc (09022015). Collection method: clinical testing. Allele origin: germline.
Comment: This variant is not present in population databases (gnomAD no frequency). For these reasons, this variant has been classified as Pathogenic. This variant has not been reported in the literature in individuals affected with LZTR1-related conditions. This sequence change creates a premature translational stop signal (p.Arg435Alafs*22) in the LZTR1 gene. It is expected to result in an absent or disrupted protein product. Loss-of-function variants in LZTR1 are known to be pathogenic (PMID: 24362817, 25335493, 25480913, 25795793, 29469822, 30442762, 30442766, 30481304, 30859559).

Literature cited by the submitters: PubMed 24362817; PubMed 25335493; PubMed 25480913; PubMed 25795793; PubMed 29469822; PubMed 30442762; PubMed 30442766; PubMed 30481304; PubMed 30859559.